The following is an entry in ClinVar:

ClinVar aggregate classification (germline): Likely pathogenic. Review status: criteria provided, multiple submitters, no conflicts (2 of 4 stars). 2 submissions from 2 submitters: Likely pathogenic (2). Last evaluated 2022-11-10.

Conditions:
Sphingolipid activator protein 1 deficiency. Also called: Metachromatic leukodystrophy due to saposin B deficiency; METACHROMATIC LEUKODYSTROPHY DUE TO CEREBROSIDE SULFATASE ACTIVATOR DEFICIENCY; Saposin B Deficiency. Identifiers: Orphanet 512, MedGen C0268262, MONDO:0009590, OMIM 249900.

Submissions (2):

Labcorp Genetics (formerly Invitae), Labcorp
Classification: Likely pathogenic for Sphingolipid activator protein 1 deficiency. Last evaluated: 2022-11-10. Review status: criteria provided, single submitter. Criteria: Invitae Variant Classification Sherloc (09022015). Collection method: clinical testing. Allele origin: germline.
Comment: ClinVar contains an entry for this variant (Variation ID: 1324967). Algorithms developed to predict the effect of sequence changes on RNA splicing suggest that this variant may disrupt the consensus splice site. In summary, the currently available evidence indicates that the variant is pathogenic, but additional data are needed to prove that conclusively. Therefore, this variant has been classified as Likely Pathogenic. This variant has not been reported in the literature in individuals affected with PSAP-related conditions. This sequence change affects a splice site in intron 6 of the PSAP gene. It is expected to disrupt RNA splicing. Variants that disrupt the donor or acceptor splice site typically lead to a loss of protein function (PMID: 16199547), and loss-of-function variants in PSAP are known to be pathogenic (PMID: 8554069, 11309366, 17616409, 19267410, 30632081). This variant is not present in population databases (gnomAD no frequency).

Revvity Omics, Revvity
Classification: Likely pathogenic. Last evaluated: 2020-04-23. Review status: criteria provided, single submitter. Criteria: ACMG Guidelines, 2015. Collection method: clinical testing. Allele origin: germline.

Literature cited by the submitters: PubMed 16199547 (cited by Labcorp Genetics (formerly Invitae), Labcorp); PubMed 8554069 (cited by Labcorp Genetics (formerly Invitae), Labcorp); PubMed 11309366 (cited by Labcorp Genetics (formerly Invitae), Labcorp); PubMed 17616409 (cited by Labcorp Genetics (formerly Invitae), Labcorp); PubMed 19267410 (cited by Labcorp Genetics (formerly Invitae), Labcorp); PubMed 30632081 (cited by Labcorp Genetics (formerly Invitae), Labcorp).

NM_002778.4(PSAP):c.720+2_720+5del

Gene: PSAP (prosaposin; minus strand). Cytogenetic location: 10q22.1.
Variant type: Deletion.
Coding change: c.720+2_720+5del on transcript NM_002778.4 (MANE Select); the canonical splice donor site of the intron after coding-DNA position 720 through 5 bases into the intron after coding-DNA position 720, 4 bases deleted (TGAG; older notation c.720+2_720+5delTGAG).
Molecular consequence: splice donor variant.
Genome position (GRCh38, 1-based): chr10:71,828,009-71,828,012, CTCA deleted on the plus strand (TGAG on the coding strand, the reverse complement: PSAP is on the minus strand); deleting any 4 consecutive bases within chr10:71,828,009-71,828,014 gives the same sequence; the c. name uses the placement nearest the transcript's 3' end. VCF-style (leftmost placement, unchanged base first): chr10-71828008-GCTCA-G. GRCh37 (hg19) VCF-style: chr10-73587765-GCTCA-G.
Other names: c.720+2_720+5del (NM_001042466.3, NM_001042465.3).
Identifiers: ClinVar variation 1324967 (VCV001324967.7), dbSNP rs2133043288, ClinGen allele CA2573053297.